The following is an entry in ClinVar:

NM_014014.5(SNRNP200):c.5165T>G (p.Leu1722Trp)

Genes: SNRNP200 (small nuclear ribonucleoprotein U5 subunit 200; minus strand), LOC126806272 (BRD4-independent group 4 enhancer GRCh37_chr2:96944520-96945719; plus strand). Cytogenetic location: 2q11.2.
Variant type: single nucleotide variant.
Coding change: c.5165T>G on transcript NM_014014.5 (MANE Select); coding-DNA position 5165, T replaced by G.
Protein change: p.Leu1722Trp; replaces leucine 1722 with tryptophan.
Molecular consequence: missense variant.
Genome position (GRCh38, 1-based): chr2:96,278,967, A>C on the plus strand (T>G on the coding strand, the complement: SNRNP200 is on the minus strand). VCF-style: chr2-96278967-A-C. GRCh37 (hg19) VCF-style: chr2-96944705-A-C.
Other names: short protein forms L1722W.
Identifiers: ClinVar variation 1017064 (VCV001017064.9), dbSNP rs1684715728, ClinGen allele CA347660441.

ClinVar aggregate classification (germline): Uncertain significance (1 of 4 stars; one submission).

Submission:

Labcorp Genetics (formerly Invitae), Labcorp
Classification: Uncertain significance. Last evaluated: 2020-08-31. Review status: criteria provided, single submitter. Criteria: Invitae Variant Classification Sherloc (09022015). Collection method: clinical testing. Allele origin: germline.
Comment: This variant is not present in population databases (ExAC no frequency). This sequence change replaces leucine with tryptophan at codon 1722 of the SNRNP200 protein (p.Leu1722Trp). The leucine residue is highly conserved and there is a small physicochemical difference between leucine and tryptophan. This variant has not been reported in the literature in individuals with SNRNP200-related conditions. In summary, the available evidence is currently insufficient to determine the role of this variant in disease. Therefore, it has been classified as a Variant of Uncertain Significance. Algorithms developed to predict the effect of missense changes on protein structure and function are either unavailable or do not agree on the potential impact of this missense change (SIFT: "Deleterious"; PolyPhen-2: "Probably Damaging"; Align-GVGD: "Class C0").